The following is an entry in ClinVar:

NM_001253697.2(ERBIN):c.2759A>G (p.Tyr920Cys)

Gene: ERBIN (erbb2 interacting protein; plus strand). Cytogenetic location: 5q12.3.
Variant type: single nucleotide variant.
Coding change: c.2759A>G on transcript NM_001253697.2 (MANE Select); coding-DNA position 2759, A replaced by G.
Protein change: p.Tyr920Cys; replaces tyrosine 920 with cysteine.
Molecular consequence: missense variant.
Genome position (GRCh38, 1-based): chr5:66,054,077, A>G. VCF-style: chr5-66054077-A-G. GRCh37 (hg19) VCF-style: chr5-65349905-A-G.
Other names: c.2759A>G, p.Tyr920Cys (NM_001006600.3, NM_001253698.2, NM_001253699.2 and 1 more transcripts); c.2747A>G, p.Tyr916Cys (NM_001253701.2); c.2759A>G (NM_018695.2, NM_001006600.2); short protein forms Y920C, Y916C.
Identifiers: ClinVar variation 1521432 (VCV001521432.6), dbSNP rs374278956, ClinGen allele CA3286535.

ClinVar aggregate classification (germline): Uncertain significance. Review status: criteria provided, multiple submitters, no conflicts (2 of 4 stars). 3 submissions from 3 submitters: Uncertain significance (3). Last evaluated 2025-12-29.

Conditions:
ERBIN-related disorder. Also called: ERBIN-related condition.

Allele frequency attached by ClinVar (database versions not stated): gnomAD exomes 0.00002 and 0.00003; ExAC 0.00005; gnomAD 0.00005; ESP Exome Variant Server 0.00008; TOPMed 0.00012.
gnomAD v4.1: 32 of 1,614,078 alleles (0.002%); highest among the groups gnomAD compares: Admixed American, 0.0067%; no homozygotes.

Submissions (3):

Labcorp Genetics (formerly Invitae), Labcorp
Classification: Uncertain significance. Last evaluated: 2025-12-29. Review status: criteria provided, single submitter. Criteria: Invitae Variant Classification Sherloc (09022015). Collection method: clinical testing. Allele origin: germline.
Comment: This sequence change replaces tyrosine, which is neutral and polar, with cysteine, which is neutral and slightly polar, at codon 920 of the ERBIN protein (p.Tyr920Cys). This variant is present in population databases (rs374278956, gnomAD 0.005%). This variant has not been reported in the literature in individuals affected with ERBIN-related conditions. ClinVar contains an entry for this variant (Variation ID: 1521432). An algorithm developed to predict the effect of missense changes on protein structure and function outputs the following: PolyPhen-2: "Benign". The cysteine amino acid residue is found in multiple mammalian species, which suggests that this missense change does not adversely affect protein function. In summary, the available evidence is currently insufficient to determine the role of this variant in disease. Therefore, it has been classified as a Variant of Uncertain Significance.

PreventionGenetics, part of Exact Sciences
Classification: Uncertain significance for ERBIN-related condition. Last evaluated: 2023-09-17. Review status: criteria provided, single submitter. Criteria: ACMG Guidelines, 2015. Collection method: clinical testing. Allele origin: germline.
Comment: The ERBIN c.2759A>G variant is predicted to result in the amino acid substitution p.Tyr920Cys. To our knowledge, this variant has not been reported in the literature. This variant is reported in 0.0047% of alleles in individuals of European (Non-Finnish) descent in gnomAD. At this time, the clinical significance of this variant is uncertain due to the absence of conclusive functional and genetic evidence.

Ambry Genetics
Classification: Uncertain significance. Last evaluated: 2021-10-18. Review status: criteria provided, single submitter. Criteria: Ambry Variant Classification Scheme 2023. Collection method: clinical testing. Allele origin: germline.